The following is an entry in ClinVar:

ClinVar aggregate classification (germline): Uncertain significance. Review status: criteria provided, multiple submitters, no conflicts (2 of 4 stars). 2 submissions from 2 submitters: Uncertain significance (2). Last evaluated 2022-07-03.

Conditions:
Axenfeld-Rieger syndrome type 3 (RIEG3). Also called: AXENFELD-RIEGER ANOMALY WITH CARDIAC DEFECTS AND/OR SENSORINEURAL HEARING LOSS. Identifiers: Orphanet 782, MedGen C2678503, MONDO:0011233, OMIM 602482.

Allele frequency attached by ClinVar (database versions not stated): ExAC 0.00001.
gnomAD v4.1: 3 of 1,611,026 alleles (0.00019%); highest among the groups gnomAD compares: Admixed American, 0.005%; no homozygotes.

Submissions (2):

Labcorp Genetics (formerly Invitae), Labcorp
Classification: Uncertain significance for Axenfeld-Rieger syndrome type 3. Last evaluated: 2022-07-03. Review status: criteria provided, single submitter. Criteria: Invitae Variant Classification Sherloc (09022015). Collection method: clinical testing. Allele origin: germline.
Comment: Algorithms developed to predict the effect of missense changes on protein structure and function are either unavailable or do not agree on the potential impact of this missense change (SIFT: "Deleterious"; PolyPhen-2: "Benign"; Align-GVGD: "Class C25"). This variant has not been reported in the literature in individuals affected with FOXC1-related conditions. This variant is present in population databases (rs745623418, gnomAD 0.006%). This sequence change replaces glutamic acid, which is acidic and polar, with glutamine, which is neutral and polar, at codon 185 of the FOXC1 protein (p.Glu185Gln). In summary, the available evidence is currently insufficient to determine the role of this variant in disease. Therefore, it has been classified as a Variant of Uncertain Significance.

DBGen Ocular Genomics
Classification: Uncertain significance for Axenfeld-Rieger syndrome type 3. Last evaluated: 2022-01-01. Review status: criteria provided, single submitter. Criteria: ACMG Guidelines, 2015. Collection method: clinical testing. Allele origin: unknown. Inheritance: Autosomal dominant inheritance. Affected: yes.
Comment: Class 3 ACMG Guidelines, 2015

NM_001453.3(FOXC1):c.553G>C (p.Glu185Gln)

Gene: FOXC1 (forkhead box C1; plus strand). Cytogenetic location: 6p25.3.
Variant type: single nucleotide variant.
Coding change: c.553G>C on transcript NM_001453.3 (MANE Select); coding-DNA position 553, G replaced by C.
Protein change: p.Glu185Gln; replaces glutamic acid 185 with glutamine.
Molecular consequence: missense variant.
Genome position (GRCh38, 1-based): chr6:1,610,998, G>C. VCF-style: chr6-1610998-G-C. GRCh37 (hg19) VCF-style: chr6-1611233-G-C.
Other names: short protein forms E185Q.
Identifiers: ClinVar variation 1949456 (VCV001949456.7), dbSNP rs745623418, ClinGen allele CA3614778.